The following is an entry in ClinVar:

NM_000018.4(ACADVL):c.443G>C (p.Ser148Thr)

Gene: ACADVL (acyl-CoA dehydrogenase very long chain; plus strand). Cytogenetic location: 17p13.1.
Variant type: single nucleotide variant.
Coding change: c.443G>C on transcript NM_000018.4 (MANE Select); coding-DNA position 443, G replaced by C.
Protein change: p.Ser148Thr; replaces serine 148 with threonine.
Molecular consequence: missense variant.
Genome position (GRCh38, 1-based): chr17:7,221,024, G>C. VCF-style: chr17-7221024-G-C. GRCh37 (hg19) VCF-style: chr17-7124343-G-C.
Other names: c.377G>C, p.Ser126Thr (NM_001033859.3); c.512G>C, p.Ser171Thr (NM_001270447.2); c.215G>C, p.Ser72Thr (NM_001270448.2); short protein forms S148T, S171T, S72T, S126T.
Identifiers: ClinVar variation 2159171 (VCV002159171.1), dbSNP rs1470817106, ClinGen allele CA397722912.

ClinVar aggregate classification (germline): Uncertain significance (1 of 4 stars; one submission).

Conditions:
Very long chain acyl-CoA dehydrogenase deficiency (ACADVLD). Also called: Very Long-Chain Acyl-Coenzyme A Dehydrogenase Deficiency; VLCAD Deficiency. Identifiers: Orphanet 26793, MedGen C3887523, MONDO:0008723, OMIM 201475.

Allele frequency attached by ClinVar (database versions not stated): gnomAD exomes 0.00001.
gnomAD v4.1: 3 of 1,613,892 alleles (0.00019%); highest among the groups gnomAD compares: Non-Finnish European, 0.00025%; no homozygotes.

Submission:

Labcorp Genetics (formerly Invitae), Labcorp
Classification: Uncertain significance for Very long chain acyl-CoA dehydrogenase deficiency. Last evaluated: 2022-05-05. Review status: criteria provided, single submitter. Criteria: Invitae Variant Classification Sherloc (09022015). Collection method: clinical testing. Allele origin: germline.
Comment: This sequence change replaces serine, which is neutral and polar, with threonine, which is neutral and polar, at codon 148 of the ACADVL protein (p.Ser148Thr). This variant is present in population databases (no rsID available, gnomAD 0.0009%). This variant has not been reported in the literature in individuals affected with ACADVL-related conditions. Algorithms developed to predict the effect of missense changes on protein structure and function (SIFT, PolyPhen-2, Align-GVGD) all suggest that this variant is likely to be tolerated. In summary, the available evidence is currently insufficient to determine the role of this variant in disease. Therefore, it has been classified as a Variant of Uncertain Significance.